The following is an entry in ClinVar:

NM_001099922.3(ALG13):c.1799T>C (p.Met600Thr)

Gene: ALG13 (ALG13 UDP-N-acetylglucosaminyltransferase subunit; plus strand). Cytogenetic location: Xq23.
Variant type: single nucleotide variant.
Coding change: c.1799T>C on transcript NM_001099922.3 (MANE Select); coding-DNA position 1799, T replaced by C.
Protein change: p.Met600Thr; replaces methionine 600 with threonine.
Molecular consequence: missense variant. On other transcripts: non-coding transcript variant (1).
Genome position (GRCh38, 1-based): chrX:111,726,878, T>C. VCF-style: chrX-111726878-T-C. GRCh37 (hg19) VCF-style: chrX-110970106-T-C.
Other names: c.1487T>C, p.Met496Thr (NM_001257230.2, NM_001257234.2, NM_001257237.2); c.1565T>C, p.Met522Thr (NM_001257231.2); c.1799T>C, p.Met600Thr (NM_001324292.2); c.1313T>C, p.Met438Thr (NM_001324293.1); short protein forms M438T, M496T, M522T, M600T.
Identifiers: ClinVar variation 1311077 (VCV001311077.2), dbSNP rs2148217805, ClinGen allele CA414252576.

ClinVar aggregate classification (germline): Uncertain significance (1 of 4 stars; one submission).

Submission:

GeneDx
Classification: Uncertain significance. Last evaluated: 2021-02-18. Review status: criteria provided, single submitter. Criteria: GeneDx Variant Classification Process June 2021. Collection method: clinical testing. Allele origin: germline. Affected: yes.
Comment: Not observed in large population cohorts (Lek et al., 2016); In silico analysis supports that this missense variant has a deleterious effect on protein structure/function; Has not been previously published as pathogenic or benign to our knowledge